The following is an entry in ClinVar:

ClinVar aggregate classification (germline): Conflicting classifications of pathogenicity. Review status: criteria provided, conflicting classifications (1 of 4 stars). 2 submissions from 2 submitters: Uncertain significance (1); Likely benign (1). Last evaluated 2023-05-23.

Allele frequency attached by ClinVar (database versions not stated): gnomAD 0.00001; gnomAD exomes 0.00001 and 0.00003; ExAC 0.00004.
gnomAD v4.1: 23 of 1,612,248 alleles (0.0014%); highest among the groups gnomAD compares: Middle Eastern, 0.018%; no homozygotes.

Submissions (2):

Blueprint Genetics
Classification: Likely benign. Last evaluated: 2023-05-23. Review status: criteria provided, single submitter. Criteria: ACMG Guidelines, 2015. Collection method: clinical testing. Allele origin: germline.

Labcorp Genetics (formerly Invitae), Labcorp
Classification: Uncertain significance. Last evaluated: 2021-05-04. Review status: criteria provided, single submitter. Criteria: Invitae Variant Classification Sherloc (09022015). Collection method: clinical testing. Allele origin: germline.
Comment: This sequence change falls in intron 16 of the OCA2 gene. It does not directly change the encoded amino acid sequence of the OCA2 protein. It affects a nucleotide within the consensus splice site of the intron. This variant is present in population databases (rs748230308, ExAC 0.02%). This variant has not been reported in the literature in individuals with OCA2-related conditions. Nucleotide substitutions within the consensus splice site are a relatively common cause of aberrant splicing (PMID: 17576681, 9536098). Algorithms developed to predict the effect of sequence changes on RNA splicing suggest that this variant is not likely to affect RNA splicing, but this prediction has not been confirmed by published transcriptional studies. In summary, the available evidence is currently insufficient to determine the role of this variant in disease. Therefore, it has been classified as a Variant of Uncertain Significance.

Literature cited by the submitters: PubMed 17576681 (cited by Labcorp Genetics (formerly Invitae), Labcorp); PubMed 9536098 (cited by Labcorp Genetics (formerly Invitae), Labcorp).

NM_000275.3(OCA2):c.1784+5C>T

Gene: OCA2 (OCA2 melanosomal transmembrane protein; minus strand). Cytogenetic location: 15q13.1.
Variant type: single nucleotide variant.
Coding change: c.1784+5C>T on transcript NM_000275.3 (MANE Select); 5 bases into the intron after coding-DNA position 1784, C replaced by T.
Molecular consequence: intron variant.
Genome position (GRCh38, 1-based): chr15:27,957,583, G>A on the plus strand (C>T on the coding strand, the complement: OCA2 is on the minus strand). VCF-style: chr15-27957583-G-A. GRCh37 (hg19) VCF-style: chr15-28202729-G-A.
Other names: c.1712+5C>T (NM_001300984.2).
Identifiers: ClinVar variation 1469156 (VCV001469156.4), dbSNP rs748230308, ClinGen allele CA7438925.
Genomic context (GRCh38, chr15:27,957,583, plus strand): 5'-TTTGTAGGCCCATGGAATGTTCTGCTGCACACCAAGCACAGTCTGAGCAGGACCCCGCCC[G>A]GTACCTGTGGAAGGTGTGCAGCCTCCGGGCGAGCAGGTGCTCCAGTGCCAGCACCTTCCC-3'